The following is an entry in ClinVar:

NM_000137.4(FAH):c.497T>G (p.Val166Gly)

Gene: FAH (fumarylacetoacetate hydrolase; plus strand). Cytogenetic location: 15q25.1.
Variant type: single nucleotide variant.
Coding change: c.497T>G on transcript NM_000137.4 (MANE Select); coding-DNA position 497, T replaced by G.
Protein change: p.Val166Gly; replaces valine 166 with glycine.
Molecular consequence: missense variant.
Genome position (GRCh38, 1-based): chr15:80,168,093, T>G. VCF-style: chr15-80168093-T-G. GRCh37 (hg19) VCF-style: chr15-80460435-T-G.
Other names: c.497T>G, p.Val166Gly (NM_001374377.1, NM_001374380.1); short protein forms V166G.
Identifiers: ClinVar variation 558415 (VCV000558415.13), dbSNP rs778387055, ClinGen allele CA7691198.

ClinVar aggregate classification (germline): Likely pathogenic. Review status: criteria provided, multiple submitters, no conflicts (2 of 4 stars). 3 submissions from 3 submitters: Likely pathogenic (2). 1 of the submissions does not count toward it. Last evaluated 2024-08-08.

Conditions:
Tyrosinemia type I (TYRSN1). Also called: HEPATORENAL TYROSINEMIA; Tyrosinemia type 1; Fumarylacetoacetase deficiency; Deficiency of fumarylacetoacetase; FAH DEFICIENCY. Identifiers: Orphanet 882, MedGen C0268490, MONDO:0010161, OMIM 276700. Disease mechanism: loss of function.

Allele frequency attached by ClinVar (database versions not stated): gnomAD exomes below 0.00001; ExAC 0.00001.
gnomAD v4.1: 3 of 1,614,186 alleles (0.00019%); highest among the groups gnomAD compares: Non-Finnish European, 0.000085%; no homozygotes.

Submissions (3):

Women's Health and Genetics/Laboratory Corporation of America, LabCorp
Classification: Likely pathogenic for Tyrosinemia type I. Last evaluated: 2024-08-08. Review status: criteria provided, single submitter. Criteria: LabCorp Variant Classification Summary - May 2015. Collection method: clinical testing. Allele origin: germline.
Comment: Variant summary: FAH c.497T>G (p.Val166Gly) results in a non-conservative amino acid change located in the Fumarylacetoacetase-like, C-terminal domain (IPR011234) of the encoded protein sequence. Five of five in-silico tools predict a damaging effect of the variant on protein function. The variant allele was found at a frequency of 4e-06 in 251476 control chromosomes. c.497T>G has been reported in the literature in individuals affected with Tyrosinemia Type 1 (examples: Bergman_1998, Rootwelt_1996, Dursun_2011). These data indicate that the variant is likely to be associated with disease. The following publications have been ascertained in the context of this evaluation (PMID: 23430822, 31300554, 8829657, 9633815). ClinVar contains an entry for this variant (Variation ID: 558415). Based on the evidence outlined above, the variant was classified as likely pathogenic.

Labcorp Genetics (formerly Invitae), Labcorp
Classification: Likely pathogenic for Tyrosinemia type I. Last evaluated: 2021-04-04. Review status: criteria provided, single submitter. Criteria: Invitae Variant Classification Sherloc (09022015). Collection method: clinical testing. Allele origin: germline.
Comment: In summary, the currently available evidence indicates that the variant is pathogenic, but additional data are needed to prove that conclusively. Therefore, this variant has been classified as Likely Pathogenic. Experimental studies have shown that this variant affects FAH protein function (PMID: 31300554). This variant has been observed in individual(s) with clinical features of tyrosinemia type 1 (PMID: 8318997, 8829657, 9633815, 23430822, 30414057). ClinVar contains an entry for this variant (Variation ID: 558415). This variant is present in population databases (rs778387055, ExAC 0.001%). This sequence change replaces valine with glycine at codon 166 of the FAH protein (p.Val166Gly). The valine residue is moderately conserved and there is a moderate physicochemical difference between valine and glycine.

Counsyl
Classification: Likely pathogenic for Tyrosinemia type I. Last evaluated: 2018-05-23. Review status: no assertion criteria provided. Collection method: clinical testing. Allele origin: unknown. Not counted in ClinVar's aggregate classification.

Literature cited by the submitters: PubMed 23430822 (cited by 3 submitters); PubMed 8829657 (cited by 3 submitters); PubMed 9633815 (cited by 3 submitters); PubMed 31300554 (cited by Women's Health and Genetics/Laboratory Corporation of America, LabCorp and Labcorp Genetics (formerly Invitae), Labcorp); PubMed 8318997 (cited by Labcorp Genetics (formerly Invitae), Labcorp and Counsyl); PubMed 30414057 (cited by Labcorp Genetics (formerly Invitae), Labcorp); PubMed 10508789 (cited by Counsyl).